The following is an entry in ClinVar:

NM_000051.4(ATM):c.1601C>G (p.Pro534Arg)

Gene: ATM (ATM serine/threonine kinase; plus strand). Cytogenetic location: 11q22.3.
Variant type: single nucleotide variant.
Coding change: c.1601C>G on transcript NM_000051.4 (MANE Select); coding-DNA position 1601, C replaced by G.
Protein change: p.Pro534Arg; replaces proline 534 with arginine.
Molecular consequence: missense variant.
Genome position (GRCh38, 1-based): chr11:108,251,066, C>G. VCF-style: chr11-108251066-C-G. GRCh37 (hg19) VCF-style: chr11-108121793-C-G.
Other names: c.1601C>G, p.Pro534Arg (NM_001351834.2); short protein forms P534R.
Identifiers: ClinVar variation 142071 (VCV000142071.23), dbSNP rs587782212, ClinGen allele CA167321.

ClinVar aggregate classification (germline): Uncertain significance. Review status: criteria provided, multiple submitters, no conflicts (2 of 4 stars). 2 submissions from 2 submitters: Uncertain significance (2). Last evaluated 2025-05-20.

Conditions:
Ataxia-telangiectasia syndrome (AT). Also called: Cerebello-oculocutaneous telangiectasia; Immunodeficiency with ataxia telangiectasia; Ataxia-telangiectasia, complementation group D; AT, COMPLEMENTATION GROUP C; ATAXIA-TELANGIECTASIA, FRESNO VARIANT; ATAXIA-TELANGIECTASIA, COMPLEMENTATION GROUP A. Identifiers: Orphanet 100, MedGen C0004135, MONDO:0008840, OMIM 208900.
Malignant tumor of breast. Also called: Malignant breast neoplasm; Cancer breast. Identifiers: MedGen C0006142, MONDO:0007254. Disease mechanism: loss of function.
Hereditary cancer-predisposing syndrome. Also called: Neoplastic Syndromes, Hereditary; Hereditary Cancer Syndrome; Hereditary neoplastic syndrome; Tumor predisposition. Identifiers: Orphanet 140162, MedGen C0027672, MeSH D009386, MONDO:0015356.

Allele frequency attached by ClinVar (database versions not stated): gnomAD exomes below 0.00001.
gnomAD v4.1: 2 of 1,613,946 alleles (0.00012%); highest among the groups gnomAD compares: Non-Finnish European, 0.000085%; no homozygotes.

Submissions (2):

Ambry Genetics
Classification: Uncertain significance for Hereditary cancer-predisposing syndrome. Last evaluated: 2025-05-20. Review status: criteria provided, single submitter. Criteria: Ambry Variant Classification Scheme 2023. Collection method: clinical testing. Allele origin: germline.
Comment: The p.P534R variant (also known as c.1601C>G), located in coding exon 9 of the ATM gene, results from a C to G substitution at nucleotide position 1601. The proline at codon 534 is replaced by arginine, an amino acid with dissimilar properties. This amino acid position is highly conserved in available vertebrate species. In addition, this alteration is predicted to be deleterious by in silico analysis. Based on the available evidence, the clinical significance of this variant remains unclear.

Labcorp Genetics (formerly Invitae), Labcorp
Classification: Uncertain significance for Ataxia-telangiectasia syndrome. Last evaluated: 2024-06-06. Review status: criteria provided, single submitter. Criteria: Invitae Variant Classification Sherloc (09022015). Collection method: clinical testing. Allele origin: germline.
Comment: This sequence change replaces proline, which is neutral and non-polar, with arginine, which is basic and polar, at codon 534 of the ATM protein (p.Pro534Arg). This variant is present in population databases (rs587782212, gnomAD 0.0009%). This missense change has been observed in individual(s) with breast cancer and/or melanoma (PMID: 30613976, 34262154). ClinVar contains an entry for this variant (Variation ID: 142071). An algorithm developed to predict the effect of missense changes on protein structure and function (PolyPhen-2) suggests that this variant is likely to be disruptive. In summary, the available evidence is currently insufficient to determine the role of this variant in disease. Therefore, it has been classified as a Variant of Uncertain Significance.

Literature cited by the submitters: PubMed 30613976 (cited by Labcorp Genetics (formerly Invitae), Labcorp); PubMed 34262154 (cited by Labcorp Genetics (formerly Invitae), Labcorp).